The following is an entry in ClinVar:

NM_015001.3(SPEN):c.7992G>A (p.Pro2664=)

Gene: SPEN (spen family transcriptional repressor; plus strand). Cytogenetic location: 1p36.13.
Variant type: single nucleotide variant.
Coding change: c.7992G>A on transcript NM_015001.3 (MANE Select); coding-DNA position 7992, G replaced by A.
Protein change: p.Pro2664=; no amino-acid change (proline 2664 retained).
Molecular consequence: synonymous variant.
Genome position (GRCh38, 1-based): chr1:15,934,232, G>A. VCF-style: chr1-15934232-G-A. GRCh37 (hg19) VCF-style: chr1-16260727-G-A.
Identifiers: ClinVar variation 4084225 (VCV004084225.8).

ClinVar aggregate classification (germline): Likely benign (1 of 4 stars; one submission).

gnomAD v4.1: 15 of 1,614,082 alleles (0.00093%); highest among the groups gnomAD compares: Admixed American, 0.015%; no homozygotes.

Submission:

CeGaT Center for Human Genetics Tuebingen
Classification: Likely benign. Last evaluated: 2025-08-01. Review status: criteria provided, single submitter. Criteria: CeGaT Center For Human Genetics Tuebingen Variant Classification Criteria Version 2. Collection method: clinical testing. Allele origin: germline. Affected: yes. Observed: 1 variant allele.
Comment: SPEN: BP4, BP7